The following is an entry in ClinVar:

ClinVar aggregate classification (germline): Uncertain significance. Review status: criteria provided, multiple submitters, no conflicts (2 of 4 stars). 2 submissions from 2 submitters: Uncertain significance (2). Last evaluated 2025-04-30.

Conditions:
Inborn genetic diseases. Identifiers: MedGen C0950123, MeSH D030342.
Baller-Gerold syndrome (BGS). Also called: CRANIOSYNOSTOSIS WITH RADIAL DEFECTS. Identifiers: Orphanet 1225, MedGen C0265308, MONDO:0009039, OMIM 218600.

Allele frequency attached by ClinVar (database versions not stated): gnomAD exomes below 0.00001.
gnomAD v4.1: 1 of 1,610,884 alleles (0.000062%); highest among the groups gnomAD compares: Non-Finnish European, 0.000085%; no homozygotes.

Submissions (2):

Labcorp Genetics (formerly Invitae), Labcorp
Classification: Uncertain significance for Baller-Gerold syndrome. Last evaluated: 2025-04-30. Review status: criteria provided, single submitter. Criteria: Invitae Variant Classification Sherloc (09022015). Collection method: clinical testing. Allele origin: germline.
Comment: This sequence change replaces glutamine, which is neutral and polar, with histidine, which is basic and polar, at codon 513 of the RECQL4 protein (p.Gln513His). This variant is present in population databases (no rsID available, gnomAD 0.0009%). This variant has not been reported in the literature in individuals affected with RECQL4-related conditions. ClinVar contains an entry for this variant (Variation ID: 961555). Invitae Evidence Modeling of protein sequence and biophysical properties (such as structural, functional, and spatial information, amino acid conservation, physicochemical variation, residue mobility, and thermodynamic stability) indicates that this missense variant is expected to disrupt RECQL4 protein function with a positive predictive value of 80%. In summary, the available evidence is currently insufficient to determine the role of this variant in disease. Therefore, it has been classified as a Variant of Uncertain Significance.

Ambry Genetics
Classification: Uncertain significance for Inborn genetic diseases. Last evaluated: 2025-04-12. Review status: criteria provided, single submitter. Criteria: Ambry Variant Classification Scheme 2023. Collection method: clinical testing. Allele origin: germline.
Comment: The p.Q513H variant (also known as c.1539G>C), located in coding exon 9 of the RECQL4 gene, results from a G to C substitution at nucleotide position 1539. The glutamine at codon 513 is replaced by histidine, an amino acid with highly similar properties. This amino acid position is conserved. In addition, this alteration is predicted to be deleterious by in silico analysis. Based on the available evidence, the clinical significance of this variant remains unclear.

NM_004260.4(RECQL4):c.1539G>C (p.Gln513His)

Gene: RECQL4 (RecQ like helicase 4; minus strand). Cytogenetic location: 8q24.3.
Variant type: single nucleotide variant.
Coding change: c.1539G>C on transcript NM_004260.4 (MANE Select); coding-DNA position 1539, G replaced by C.
Protein change: p.Gln513His; replaces glutamine 513 with histidine.
Molecular consequence: missense variant.
Genome position (GRCh38, 1-based): chr8:144,515,017, C>G on the plus strand (G>C on the coding strand, the complement: RECQL4 is on the minus strand). VCF-style: chr8-144515017-C-G. GRCh37 (hg19) VCF-style: chr8-145740401-C-G.
Other names: short protein forms Q513H.
Identifiers: ClinVar variation 961555 (VCV000961555.8), dbSNP rs1358624560, ClinGen allele CA372683943.